The following is an entry in ClinVar:

ClinVar aggregate classification (germline): Uncertain significance. Review status: criteria provided, multiple submitters, no conflicts (2 of 4 stars). 2 submissions from 2 submitters: Uncertain significance (2). Last evaluated 2025-12-10.

Conditions:
Hereditary cancer-predisposing syndrome. Also called: Tumor predisposition; Hereditary neoplastic syndrome; Neoplastic Syndromes, Hereditary; Hereditary Cancer Syndrome. Identifiers: Orphanet 140162, MedGen C0027672, MeSH D009386, MONDO:0015356.
Tuberous sclerosis 2 (TSC2). Identifiers: Orphanet 805, MedGen C1860707, MONDO:0013199, OMIM 613254.

gnomAD v4.1: 1 of 1,613,866 alleles (0.000062%); highest among the groups gnomAD compares: Non-Finnish European, 0.000085%; no homozygotes.

Submissions (2):

Labcorp Genetics (formerly Invitae), Labcorp
Classification: Uncertain significance for Tuberous sclerosis 2. Last evaluated: 2025-12-10. Review status: criteria provided, single submitter. Criteria: Invitae Variant Classification Sherloc (09022015). Collection method: clinical testing. Allele origin: germline.
Comment: This sequence change replaces lysine, which is basic and polar, with glutamic acid, which is acidic and polar, at codon 500 of the TSC2 protein (p.Lys500Glu). This variant is not present in population databases (gnomAD no frequency). This variant has not been reported in the literature in individuals affected with TSC2-related conditions. ClinVar contains an entry for this variant (Variation ID: 1499419). Invitae Evidence Modeling of protein sequence and biophysical properties (such as structural, functional, and spatial information, amino acid conservation, physicochemical variation, residue mobility, and thermodynamic stability) indicates that this missense variant is not expected to disrupt TSC2 protein function with a negative predictive value of 95%. In summary, the available evidence is currently insufficient to determine the role of this variant in disease. Therefore, it has been classified as a Variant of Uncertain Significance.

Ambry Genetics
Classification: Uncertain significance for Hereditary cancer-predisposing syndrome. Last evaluated: 2022-06-20. Review status: criteria provided, single submitter. Criteria: Ambry Variant Classification Scheme 2023. Collection method: clinical testing. Allele origin: germline.
Comment: The p.K500E variant (also known as c.1498A>G), located in coding exon 14 of the TSC2 gene, results from an A to G substitution at nucleotide position 1498. The lysine at codon 500 is replaced by glutamic acid, an amino acid with similar properties. This amino acid position is conserved. In addition, this alteration is predicted to be tolerated by in silico analysis. Since supporting evidence is limited at this time, the clinical significance of this alteration remains unclear.

NM_000548.5(TSC2):c.1498A>G (p.Lys500Glu)

Gene: TSC2 (TSC complex subunit 2; plus strand). Cytogenetic location: 16p13.3.
Variant type: single nucleotide variant.
Coding change: c.1498A>G on transcript NM_000548.5 (MANE Select); coding-DNA position 1498, A replaced by G.
Protein change: p.Lys500Glu; replaces lysine 500 with glutamic acid.
Molecular consequence: missense variant.
Genome position (GRCh38, 1-based): chr16:2,064,326, A>G. VCF-style: chr16-2064326-A-G. GRCh37 (hg19) VCF-style: chr16-2114327-A-G.
Other names: c.1498A>G, p.Lys500Glu (NM_001077183.3, NM_001114382.3, NM_001363528.2 and 3 more transcripts); c.1387A>G, p.Lys463Glu (NM_001318827.2); c.1351A>G, p.Lys451Glu (NM_001318829.2); c.898A>G, p.Lys300Glu (NM_001318831.2); c.1531A>G, p.Lys511Glu (NM_001318832.2); short protein forms K451E, K511E, K300E, K500E, K463E.
Identifiers: ClinVar variation 1499419 (VCV001499419.10), dbSNP rs2151189527, ClinGen allele CA394326025.